The following is an entry in ClinVar:

NM_001184880.2(PCDH19):c.298ATC[1] (p.Ile101del)

Gene: PCDH19 (protocadherin 19; minus strand). Cytogenetic location: Xq22.1.
Variant type: Microsatellite.
Coding change: c.298ATC[1] on transcript NM_001184880.2 (MANE Select); one copy of the 3-base unit ATC starting at c.298; the reference has two copies in a row; one copy, 3 bases deleted; also written c.301_303del.
Protein change: p.Ile101del; deletes isoleucine 101.
Molecular consequence: inframe deletion.
Genome position (GRCh38, 1-based): chrX:100,408,295-100,408,297, GAT deleted on the plus strand (ATC on the coding strand, the reverse complement: PCDH19 is on the minus strand); deleting any 3 consecutive bases within chrX:100,408,295-100,408,301 gives the same sequence; the position shown is the placement nearest the transcript's 3' end. VCF-style (leftmost placement, unchanged base first): chrX-100408294-AGAT-A. GRCh37 (hg19) VCF-style: chrX-99663292-AGAT-A.
Other names: c.301_303delATC (NM_001184880.1); c.298ATC[1], p.Ile101del (NM_001105243.2, NM_020766.3); c.301_303del (NM_001184880.1); short protein forms I101del.
Identifiers: ClinVar variation 206348 (VCV000206348.6), dbSNP rs796052825, ClinGen allele CA316396.

ClinVar aggregate classification (germline): Conflicting classifications of pathogenicity. Review status: criteria provided, conflicting classifications (1 of 4 stars). 2 submissions from 2 submitters: Likely pathogenic (1); Uncertain significance (1). Last evaluated 2025-05-07.

Conditions:
Developmental and epileptic encephalopathy, 9 (DEE9). Also called: EPILEPSY, FEMALE-RESTRICTED, WITH MENTAL RETARDATION; PCDH19-Related X-Linked Female-Limited Epilepsy with Mental Retardation; Early infantile epileptic encephalopathy 9; JUBERG-HELLMAN SYNDROME. Identifiers: Orphanet 101039, Orphanet 2076, MedGen C1848137, MONDO:0010246, OMIM 300088. Disease mechanism: loss of function.

Submissions (2):

Labcorp Genetics (formerly Invitae), Labcorp
Classification: Uncertain significance for Developmental and epileptic encephalopathy, 9. Last evaluated: 2025-05-07. Review status: criteria provided, single submitter. Criteria: Invitae Variant Classification Sherloc (09022015). Collection method: clinical testing. Allele origin: germline.
Comment: This variant, c.301_303del, results in the deletion of 1 amino acid(s) of the PCDH19 protein (p.Ile101del), but otherwise preserves the integrity of the reading frame. This variant is not present in population databases (gnomAD no frequency). This variant has been observed in individual(s) with clinical features of PCDH19-related conditions (PMID: 29655203). ClinVar contains an entry for this variant (Variation ID: 206348). Experimental studies and prediction algorithms are not available or were not evaluated, and the functional significance of this variant is currently unknown. In summary, the available evidence is currently insufficient to determine the role of this variant in disease. Therefore, it has been classified as a Variant of Uncertain Significance.

GeneDx
Classification: Likely pathogenic. Last evaluated: 2024-04-03. Review status: criteria provided, single submitter. Criteria: GeneDx Variant Classification Process June 2021. Collection method: clinical testing. Allele origin: germline. Affected: yes.
Comment: Not observed at significant frequency in large population cohorts (gnomAD); In-frame deletion of 1 amino acid in a non-repeat region; In silico analysis supports a deleterious effect on protein structure/function; This variant is associated with the following publications: (PMID: 29655203)

Literature cited by the submitters: PubMed 29655203 (cited by Labcorp Genetics (formerly Invitae), Labcorp).